The following is an entry in ClinVar:

NM_000702.4(ATP1A2):c.2926C>T (p.Arg976Cys)

Gene: ATP1A2 (ATPase Na+/K+ transporting subunit alpha 2; plus strand). Cytogenetic location: 1q23.2.
Variant type: single nucleotide variant.
Coding change: c.2926C>T on transcript NM_000702.4 (MANE Select); coding-DNA position 2926, C replaced by T.
Protein change: p.Arg976Cys; replaces arginine 976 with cysteine.
Molecular consequence: missense variant.
Genome position (GRCh38, 1-based): chr1:160,139,725, C>T. VCF-style: chr1-160139725-C-T. GRCh37 (hg19) VCF-style: chr1-160109515-C-T.
Other names: short protein forms R976C.
Identifiers: ClinVar variation 1017988 (VCV001017988.8), dbSNP rs371742379, ClinGen allele CA1194876.

ClinVar aggregate classification (germline): Uncertain significance (1 of 4 stars; one submission).

Conditions:
Familial hemiplegic migraine. Identifiers: MedGen C0338484, MONDO:0000700.

Allele frequency attached by ClinVar (database versions not stated): gnomAD 0.00001; TOPMed 0.00001; ESP Exome Variant Server 0.00008.
gnomAD v4.1: 7 of 1,614,068 alleles (0.00043%); highest among the groups gnomAD compares: Non-Finnish European, 0.00059%; no homozygotes.

Submission:

Labcorp Genetics (formerly Invitae), Labcorp
Classification: Uncertain significance for Familial hemiplegic migraine. Last evaluated: 2022-03-23. Review status: criteria provided, single submitter. Criteria: Invitae Variant Classification Sherloc (09022015). Collection method: clinical testing. Allele origin: germline.
Comment: In summary, the available evidence is currently insufficient to determine the role of this variant in disease. Therefore, it has been classified as a Variant of Uncertain Significance. Advanced modeling of protein sequence and biophysical properties (such as structural, functional, and spatial information, amino acid conservation, physicochemical variation, residue mobility, and thermodynamic stability) performed at Invitae indicates that this missense variant is expected to disrupt ATP1A2 protein function. ClinVar contains an entry for this variant (Variation ID: 1017988). This variant has not been reported in the literature in individuals affected with ATP1A2-related conditions. This variant is present in population databases (rs371742379, gnomAD 0.01%). This sequence change replaces arginine, which is basic and polar, with cysteine, which is neutral and slightly polar, at codon 976 of the ATP1A2 protein (p.Arg976Cys).